The following is an entry in ClinVar:

ClinVar aggregate classification (germline): Uncertain significance (1 of 4 stars; one submission).

Submission:

GeneDx
Classification: Uncertain significance. Last evaluated: 2025-06-04. Review status: criteria provided, single submitter. Criteria: GeneDx Variant Classification Process June 2021. Collection method: clinical testing. Allele origin: germline. Affected: yes.
Comment: Not observed at significant frequency in large population cohorts (gnomAD); In silico analysis supports that this missense variant has a deleterious effect on protein structure/function; Has not been previously published as pathogenic or benign to our knowledge

NM_001458.5(FLNC):c.2121G>C (p.Gln707His)

Gene: FLNC (filamin C; plus strand). Cytogenetic location: 7q32.1.
Variant type: single nucleotide variant.
Coding change: c.2121G>C on transcript NM_001458.5 (MANE Select); coding-DNA position 2121, G replaced by C.
Protein change: p.Gln707His; replaces glutamine 707 with histidine.
Molecular consequence: missense variant.
Genome position (GRCh38, 1-based): chr7:128,841,567, G>C. VCF-style: chr7-128841567-G-C. GRCh37 (hg19) VCF-style: chr7-128481621-G-C.
Other names: c.2121G>C, p.Gln707His (NM_001127487.2); short protein forms Q707H.
Identifiers: ClinVar variation 4536590 (VCV004536590.1).